The following is an entry in ClinVar:

NM_000071.3(CBS):c.1438G>A (p.Gly480Ser)

Gene: CBS (cystathionine beta-synthase; minus strand). Cytogenetic location: 21q22.3.
Variant type: single nucleotide variant.
Coding change: c.1438G>A on transcript NM_000071.3 (MANE Select); coding-DNA position 1438, G replaced by A.
Protein change: p.Gly480Ser; replaces glycine 480 with serine.
Molecular consequence: missense variant.
Genome position (GRCh38, 1-based): chr21:43,058,174, C>T on the plus strand (G>A on the coding strand, the complement: CBS is on the minus strand). VCF-style: chr21-43058174-C-T. GRCh37 (hg19) VCF-style: chr21-44478284-C-T.
Other names: c.1438G>A, p.Gly480Ser (NM_001178008.3, NM_001178009.3, NM_001320298.2); c.1123G>A, p.Gly375Ser (NM_001321072.1); short protein forms G480S, G375S.
Identifiers: ClinVar variation 2566666 (VCV002566666.2), dbSNP rs2517394896, ClinGen allele CA410396665.

ClinVar aggregate classification (germline): Uncertain significance (1 of 4 stars; one submission).

Conditions:
Familial thoracic aortic aneurysm and aortic dissection (TAAD). Also called: Thoracic aortic aneurysms and dissections. Identifiers: Orphanet 91387, MedGen C4707243, MONDO:0019625.

Submission:

Ambry Genetics
Classification: Uncertain significance for Familial thoracic aortic aneurysm and aortic dissection. Last evaluated: 2023-04-25. Review status: criteria provided, single submitter. Criteria: Ambry Variant Classification Scheme 2023. Collection method: clinical testing. Allele origin: germline.
Comment: The p.G480S variant (also known as c.1438G>A), located in coding exon 13 of the CBS gene, results from a G to A substitution at nucleotide position 1438. The glycine at codon 480 is replaced by serine, an amino acid with similar properties. This amino acid position is conserved. In addition, the in silico prediction for this alteration is inconclusive. Since supporting evidence is limited at this time, the clinical significance of this alteration remains unclear.